The following is an entry in ClinVar:

ClinVar aggregate classification (germline): Likely pathogenic (1 of 4 stars; one submission).

Submission:

Labcorp Genetics (formerly Invitae), Labcorp
Classification: Likely pathogenic. Last evaluated: 2021-11-28. Review status: criteria provided, single submitter. Criteria: Invitae Variant Classification Sherloc (09022015). Collection method: clinical testing. Allele origin: germline.
Comment: This variant has not been reported in the literature in individuals affected with BEST1-related conditions. This sequence change replaces tryptophan, which is neutral and slightly polar, with leucine, which is neutral and non-polar, at codon 93 of the BEST1 protein (p.Trp93Leu). This variant is not present in population databases (gnomAD no frequency). Advanced modeling of protein sequence and biophysical properties (such as structural, functional, and spatial information, amino acid conservation, physicochemical variation, residue mobility, and thermodynamic stability) performed at Invitae indicates that this missense variant is expected to disrupt BEST1 protein function. This variant disrupts the p.Trp93 amino acid residue in BEST1. Other variant(s) that disrupt this residue have been determined to be pathogenic (PMID: 9662395, 12939260, 21273940, 23617333, 25878489). This suggests that this residue is clinically significant, and that variants that disrupt this residue are likely to be disease-causing. In summary, the currently available evidence indicates that the variant is pathogenic, but additional data are needed to prove that conclusively. Therefore, this variant has been classified as Likely Pathogenic.

Literature cited by the submitters: PubMed 9662395; PubMed 12939260; PubMed 21273940; PubMed 23617333; PubMed 25878489.

NM_004183.4(BEST1):c.278G>T (p.Trp93Leu)

Gene: BEST1 (bestrophin 1; plus strand). Cytogenetic location: 11q12.3.
Variant type: single nucleotide variant.
Coding change: c.278G>T on transcript NM_004183.4 (MANE Select); coding-DNA position 278, G replaced by T.
Protein change: p.Trp93Leu; replaces tryptophan 93 with leucine.
Molecular consequence: missense variant. On other transcripts: non-coding transcript variant (1).
Genome position (GRCh38, 1-based): chr11:61,955,748, G>T. VCF-style: chr11-61955748-G-T. GRCh37 (hg19) VCF-style: chr11-61723220-G-T.
Other names: c.98G>T, p.Trp33Leu (NM_001139443.3, NM_001300786.2, NM_001300787.2); c.-41G>T (NM_001363591.3); c.278G>T, p.Trp93Leu (NM_001363592.2); c.-898G>T (NM_001363593.3); short protein forms W93L, W33L.
Identifiers: ClinVar variation 1472569 (VCV001472569.6), dbSNP rs2134430043, ClinGen allele CA380834039.